The following is an entry in ClinVar:

ClinVar aggregate classification (germline): Uncertain significance. Review status: criteria provided, multiple submitters, no conflicts (2 of 4 stars). 3 submissions from 3 submitters: Uncertain significance (3). Last evaluated 2025-11-17.

Conditions:
Idiopathic generalized epilepsy. Also called: Generalised epilepsy; EIG. Identifiers: MedGen C0270850, MONDO:0005579, OMIM 600669.
Hyperaldosteronism, familial, type IV (HALD4). Also called: FH IV; ALDOSTERONISM, PRIMARY, AND HYPERTENSION. Identifiers: Orphanet 642671, MedGen C4310756, MONDO:0014875, OMIM 617027.
Epilepsy, childhood absence, susceptibility to, 6. Identifiers: Orphanet 64280, MedGen C2749872, MONDO:0012763, OMIM 611942.

Submissions (3):

Labcorp Genetics (formerly Invitae), Labcorp
Classification: Uncertain significance for Idiopathic generalized epilepsy; Hyperaldosteronism, familial, type IV. Last evaluated: 2025-11-17. Review status: criteria provided, single submitter. Criteria: Invitae Variant Classification Sherloc (09022015). Collection method: clinical testing. Allele origin: germline.
Comment: This variant, c.3422_3442dup, results in the insertion of 7 amino acid(s) of the CACNA1H protein (p.Arg1141_Ser1147dup), but otherwise preserves the integrity of the reading frame. This variant is not present in population databases (gnomAD no frequency). This variant has not been reported in the literature in individuals affected with CACNA1H-related conditions. ClinVar contains an entry for this variant (Variation ID: 644729). Experimental studies and prediction algorithms are not available or were not evaluated, and the functional significance of this variant is currently unknown. In summary, the available evidence is currently insufficient to determine the role of this variant in disease. Therefore, it has been classified as a Variant of Uncertain Significance.

Fulgent Genetics
Classification: Uncertain significance for Epilepsy, childhood absence, susceptibility to, 6; Hyperaldosteronism, familial, type IV. Last evaluated: 2024-01-12. Review status: criteria provided, single submitter. Criteria: ACMG Guidelines, 2015. Collection method: clinical testing. Allele origin: germline.

GeneDx
Classification: Uncertain significance. Last evaluated: 2022-01-05. Review status: criteria provided, single submitter. Criteria: GeneDx Variant Classification Process June 2021. Collection method: clinical testing. Allele origin: germline. Affected: yes.
Comment: Has not been previously published as pathogenic or benign to our knowledge; In-frame insertion of 7 amino acids in a non-repeat region

NM_021098.3(CACNA1H):c.3422_3442dup (p.Arg1141_Ser1147dup)

Gene: CACNA1H (calcium voltage-gated channel subunit alpha1 H; plus strand). Cytogenetic location: 16p13.3.
Variant type: Duplication.
Coding change: c.3422_3442dup on transcript NM_021098.3 (MANE Select); coding-DNA positions 3422 to 3442, 21 bases duplicated (GGCGCTCCAGCTGGAGCAGCC).
Protein change: p.Arg1141_Ser1147dup.
Molecular consequence: inframe insertion.
Genome position (GRCh38, 1-based): chr16:1,209,090-1,209,110, GGCGCTCCAGCTGGAGCAGCC duplicated; duplicating any 21 consecutive bases within chr16:1,209,079-1,209,110 gives the same sequence; the c. name uses the placement nearest the transcript's 3' end. VCF-style (leftmost placement, unchanged base first): chr16-1209078-C-CCTGGAGCAGCCGGCGCTCCAG. GRCh37 (hg19) VCF-style: chr16-1259078-C-CCTGGAGCAGCCGGCGCTCCAG.
Other names: c.3422_3442dup, p.Arg1141_Ser1147dup (NM_001005407.2); c.3422_3442dup (NM_021098.2).
Identifiers: ClinVar variation 644729 (VCV000644729.13), dbSNP rs746597383, ClinGen allele CA7800762.